The following is an entry in ClinVar:

ClinVar aggregate classification (germline): Likely pathogenic. Review status: criteria provided, single submitter (1 of 4 stars). 2 submissions from 2 submitters: Likely pathogenic (1). 1 of the submissions does not count toward it. Last evaluated 2020-06-03.

Conditions:
3M syndrome 3. Also called: THREE M SYNDROME 3; 3-M Syndrome, CCDC8-Related. Identifiers: Orphanet 2616, MedGen C3280146, MONDO:0013627, OMIM 614205.

Submissions (2):

Baylor Genetics
Classification: Likely pathogenic for 3M syndrome 3. Last evaluated: 2020-06-03. Review status: criteria provided, single submitter. Criteria: ACMG Guidelines, 2015. Collection method: clinical testing. Allele origin: unknown. Affected: yes.
Comment: This variant was determined to be likely pathogenic according to ACMG Guidelines, 2015 [PMID:25741868].

OMIM
Classification: Pathogenic for THREE M SYNDROME 3. Last evaluated: 2021-07-06. Review status: no assertion criteria provided. Collection method: literature only. Allele origin: germline. Not counted in ClinVar's aggregate classification.

Literature cited by the submitters: PubMed 22325252 (cited by OMIM).

NM_032040.5(CCDC8):c.803_807delinsT (p.Lys268fs)

Gene: CCDC8 (coiled-coil domain containing 8 subunit of 3M complex; minus strand). Cytogenetic location: 19q13.32.
Variant type: Indel.
Coding change: c.803_807delinsT on transcript NM_032040.5 (MANE Select); coding-DNA positions 803 to 807, AGATC replaced by T.
Protein change: p.Lys268fs; shifts the reading frame from lysine 268.
Molecular consequence: frameshift variant.
Genome position (GRCh38, 1-based): chr19:46,412,004-46,412,008, GATCT replaced by A on the plus strand (AGATC replaced by T on the coding strand, the reverse complement: CCDC8 is on the minus strand). VCF-style: chr19-46412004-GATCT-A. GRCh37 (hg19) VCF-style: chr19-46915261-GATCT-A.
Other names: INS/DEL, NT803; short protein forms K268fs.
Identifiers: ClinVar variation 1028424 (VCV001028424.4), dbSNP rs1973237748, ClinGen allele CA2338902824.